The following is an entry in ClinVar:

NM_024570.4(RNASEH2B):c.-112C>T

Genes: RNASEH2B (ribonuclease H2 subunit B; plus strand), RNASEH2B-AS1 (RNASEH2B antisense RNA 1; minus strand), LOC130009809 (ATAC-STARR-seq lymphoblastoid silent region 5361; plus strand). Cytogenetic location: 13q14.3.
Variant type: single nucleotide variant.
Coding change: c.-112C>T on transcript NM_024570.4 (MANE Select); 112 bases upstream of the start codon, C replaced by T.
Molecular consequence: 5 prime UTR variant.
Genome position (GRCh38, 1-based): chr13:50,909,965, C>T. VCF-style: chr13-50909965-C-T. GRCh37 (hg19) VCF-style: chr13-51484101-C-T.
Other names: c.-112C>T (NM_001142279.2).
Identifiers: ClinVar variation 312327 (VCV000312327.6), dbSNP rs184573722, ClinGen allele CA10634459.
Genomic context (GRCh38, chr13:50,909,965, plus strand): 5'-GCTGGTCTCGGAAACGAAACGAAATTCGGTCCCTGGGCCTCCTCCCGGGCGCTGCCGGTC[C>T]CTCAGCGCGCCGCGCCACCCGGAACAGACCCTTCTCCCGCCATTTTCGGCGGGGCTGGGA-3'

ClinVar aggregate classification (germline): Likely benign. Review status: criteria provided, multiple submitters, no conflicts (2 of 4 stars). 2 submissions from 2 submitters: Likely benign (2). Last evaluated 2021-05-26.

Conditions:
Aicardi-Goutieres syndrome 2. Identifiers: Orphanet 51, MedGen C3489724, MONDO:0012429, OMIM 610181.

Allele frequency attached by ClinVar (database versions not stated): TOPMed 0.00271; 1000 Genomes Project 0.00280; 1000 Genomes Project 30x 0.00297; gnomAD exomes 0.00589; gnomAD 0.00659 and 0.00678.

Submissions (2):

GeneDx
Classification: Likely benign. Last evaluated: 2021-05-26. Review status: criteria provided, single submitter. Criteria: GeneDx Variant Classification Process June 2021. Collection method: clinical testing. Allele origin: germline. Affected: yes.
Comment: See Variant Classification Assertion Criteria.

Illumina Laboratory Services, Illumina
Classification: Likely benign for Aicardi-Goutieres syndrome 2. Last evaluated: 2018-01-13. Review status: criteria provided, single submitter. Criteria: ICSL Variant Classification Criteria 13 December 2019. Collection method: clinical testing. Allele origin: germline.
Comment: This variant was observed in the ICSL laboratory as part of a predisposition screen in an ostensibly healthy population. It had not been previously curated by ICSL or reported in the Human Gene Mutation Database (HGMD: prior to June 1st, 2018), and was therefore a candidate for classification through an automated scoring system. Utilizing variant allele frequency, disease prevalence and penetrance estimates, and inheritance mode, an automated score was calculated to assess if this variant is too frequent to cause the disease. Based on the score and internal cut-off values, a variant classified as likely benign is not then subjected to further curation. The score for this variant resulted in a classification of likely benign for this disease.